The following is an entry in ClinVar:

ClinVar aggregate classification (germline): Benign/Likely benign. Review status: criteria provided, multiple submitters, no conflicts (2 of 4 stars). 3 submissions from 3 submitters: Benign (1); Likely benign (2). Last evaluated 2026-06-17.

Conditions:
Polyps, multiple and recurrent inflammatory fibroid, gastrointestinal. Identifiers: MedGen C5193005, MONDO:0008285, OMIM 175510.
Hereditary cancer-predisposing syndrome. Also called: Neoplastic Syndromes, Hereditary; Tumor predisposition; Hereditary Cancer Syndrome; Hereditary neoplastic syndrome. Identifiers: Orphanet 140162, MedGen C0027672, MeSH D009386, MONDO:0015356.
Gastrointestinal stromal tumor. Also called: Gastrointestinal stromal tumor, somatic; Gastrointestinal stroma tumor. Identifiers: Orphanet 44890, MedGen C0238198, MeSH D046152, MONDO:0011719, OMIM 606764, HP:0100723.

Submissions (3):

Myriad Genetics, Inc.
Classification: Benign for Polyps, multiple and recurrent inflammatory fibroid, gastrointestinal. Last evaluated: 2026-06-17. Review status: criteria provided, single submitter. Criteria: Myriad Autosomal Dominant, Autosomal Recessive and X-Linked Classification Criteria (2023). Collection method: clinical testing. Allele origin: unknown.
Comment: This variant is considered benign. This variant is a silent/synonymous amino acid change and it is not expected to impact splicing.

Labcorp Genetics (formerly Invitae), Labcorp
Classification: Likely benign for Gastrointestinal stromal tumor. Last evaluated: 2025-02-13. Review status: criteria provided, single submitter. Criteria: Invitae Variant Classification Sherloc (09022015). Collection method: clinical testing. Allele origin: germline.

Ambry Genetics
Classification: Likely benign for Hereditary cancer-predisposing syndrome. Last evaluated: 2022-09-04. Review status: criteria provided, single submitter. Criteria: Ambry Variant Classification Scheme 2023. Collection method: clinical testing. Allele origin: germline.

NM_006206.6(PDGFRA):c.1479G>A (p.Val493=)

Gene: PDGFRA (platelet derived growth factor receptor alpha; plus strand). Cytogenetic location: 4q12.
Variant type: single nucleotide variant.
Coding change: c.1479G>A on transcript NM_006206.6 (MANE Select); coding-DNA position 1479, G replaced by A.
Protein change: p.Val493=; no amino-acid change (valine 493 retained).
Molecular consequence: synonymous variant.
Genome position (GRCh38, 1-based): chr4:54,273,651, G>A. VCF-style: chr4-54273651-G-A. GRCh37 (hg19) VCF-style: chr4-55139818-G-A.
Other names: c.1479G>A, p.Val493= (NM_001347827.2, NM_001347829.2); c.1554G>A, p.Val518= (NM_001347828.2); c.1518G>A, p.Val506= (NM_001347830.2).
Identifiers: ClinVar variation 1773511 (VCV001773511.8), dbSNP rs2110292475, ClinGen allele CA439287031.
Genomic context (GRCh38, chr4:54,273,651, plus strand): 5'-CACGGAGATCCACTCCCGAGACAGGAGTACCGTGGAGGGCCGTGTGACTTTCGCCAAAGT[G>A]GAGGAGACCATCGCCGTGCGATGCCTGGCTAAGAATCTCCTTGGAGCTGAGAACCGAGAG-3'
Protein context (NP_006197.1, residues 483-503): TVEGRVTFAK[Val493=]EETIAVRCLA